The following is an entry in ClinVar:

ClinVar aggregate classification (germline): Uncertain significance. Review status: criteria provided, multiple submitters, no conflicts (2 of 4 stars). 2 submissions from 2 submitters: Uncertain significance (2). Last evaluated 2024-10-21.

Conditions:
Long QT syndrome (LQTS). Identifiers: MedGen C0023976, MeSH D008133, MONDO:0002442. Disease mechanism: loss of function. Inheritance: Various modes of inheritance.
Cardiovascular phenotype. Identifiers: MedGen CN230736.

Allele frequency attached by ClinVar (database versions not stated): gnomAD exomes below 0.00001; gnomAD 0.00001.
gnomAD v4.1: 6 of 1,613,910 alleles (0.00037%); highest among the groups gnomAD compares: South Asian, 0.0066%; no homozygotes.

Submissions (2):

Ambry Genetics
Classification: Uncertain significance for Cardiovascular phenotype. Last evaluated: 2024-10-21. Review status: criteria provided, single submitter. Criteria: Ambry Variant Classification Scheme 2023. Collection method: clinical testing. Allele origin: germline.
Comment: The p.L1372F variant (also known as c.4114C>T), located in coding exon 14 of the AKAP9 gene, results from a C to T substitution at nucleotide position 4114. The leucine at codon 1372 is replaced by phenylalanine, an amino acid with highly similar properties. This amino acid position is conserved. In addition, this alteration is predicted to be tolerated by in silico analysis. Based on the available evidence, the clinical significance of this variant remains unclear.

Labcorp Genetics (formerly Invitae), Labcorp
Classification: Uncertain significance for Long QT syndrome. Last evaluated: 2023-01-07. Review status: criteria provided, single submitter. Criteria: Invitae Variant Classification Sherloc (09022015). Collection method: clinical testing. Allele origin: germline.
Comment: In summary, the available evidence is currently insufficient to determine the role of this variant in disease. Therefore, it has been classified as a Variant of Uncertain Significance. Algorithms developed to predict the effect of missense changes on protein structure and function are either unavailable or do not agree on the potential impact of this missense change (SIFT: "Deleterious"; PolyPhen-2: "Probably Damaging"; Align-GVGD: "Class C0"). This variant has not been reported in the literature in individuals affected with AKAP9-related conditions. This variant is present in population databases (no rsID available, gnomAD 0.006%). This sequence change replaces leucine, which is neutral and non-polar, with phenylalanine, which is neutral and non-polar, at codon 1372 of the AKAP9 protein (p.Leu1372Phe).

NM_005751.5(AKAP9):c.4114C>T (p.Leu1372Phe)

Gene: AKAP9 (A-kinase anchoring protein 9; plus strand). Cytogenetic location: 7q21.2.
Variant type: single nucleotide variant.
Coding change: c.4114C>T on transcript NM_005751.5 (MANE Select); coding-DNA position 4114, C replaced by T.
Protein change: p.Leu1372Phe; replaces leucine 1372 with phenylalanine.
Molecular consequence: missense variant.
Genome position (GRCh38, 1-based): chr7:92,022,975, C>T. VCF-style: chr7-92022975-C-T. GRCh37 (hg19) VCF-style: chr7-91652289-C-T.
Other names: c.4114C>T, p.Leu1372Phe (NM_147185.3); short protein forms L1372F.
Identifiers: ClinVar variation 3017753 (VCV003017753.4), dbSNP rs1158336906, ClinGen allele CA368128009.
Genomic context (GRCh38, chr7:92,022,975, plus strand): 5'-CAACAGTTGAAAGAAACTGAACAAAACTATGAGGCAGAGATCCACTGTTTACAGAAGAGG[C>T]TTCAAGCTGTTAGTGAGTCCACGGTTCCGCCAAGGTATTCATCTGCTTATAGCTTCATTC-3'
Protein context (NP_005742.4, residues 1362-1382): EAEIHCLQKR[Leu1372Phe]QAVSESTVPP